The following is an entry in ClinVar:

NM_000256.3(MYBPC3):c.2148+1G>T

Gene: MYBPC3 (myosin binding protein C3; minus strand). Cytogenetic location: 11p11.2.
Variant type: single nucleotide variant.
Coding change: c.2148+1G>T on transcript NM_000256.3 (MANE Select); the canonical splice donor site of the intron after coding-DNA position 2148, G replaced by T.
Molecular consequence: splice donor variant.
Genome position (GRCh38, 1-based): chr11:47,339,323, C>A on the plus strand (G>T on the coding strand, the complement: MYBPC3 is on the minus strand). VCF-style: chr11-47339323-C-A. GRCh37 (hg19) VCF-style: chr11-47360874-C-A.
Identifiers: ClinVar variation 417931 (VCV000417931.29), dbSNP rs1060499604, ClinGen allele CA16616918.

ClinVar aggregate classification (germline): Pathogenic/Likely pathogenic. Review status: criteria provided, multiple submitters, no conflicts (2 of 4 stars). 9 submissions from 9 submitters: Pathogenic (1); Likely pathogenic (7). 1 of the submissions does not count toward it. Last evaluated 2026-01-30.

Conditions:
Cardiovascular phenotype. Identifiers: MedGen CN230736.
Hypertrophic cardiomyopathy 4. Also called: Familial hypertrophic cardiomyopathy 4. Identifiers: MedGen C1861862, MONDO:0007268, OMIM 115197.
Left ventricular noncompaction 10 (LVNC10). Identifiers: Orphanet 154, Orphanet 54260, MedGen C3715165, MONDO:0014163, OMIM 615396.
Cardiomyopathy (CMYO). Also called: Cardiomyopathies. Identifiers: Orphanet 167848, MedGen C0878544, MONDO:0004994, HP:0001638. Inheritance: Various modes of inheritance.
Hypertrophic cardiomyopathy. Also called: HYPERTROPHIC MYOCARDIOPATHY. Identifiers: Orphanet 217569, MedGen C0007194, MeSH D002312, MONDO:0005045, HP:0001639.

Allele frequency attached by ClinVar (database versions not stated): TOPMed below 0.00001.
gnomAD v4.1: 2 of 1,614,056 alleles (0.00012%); highest among the groups gnomAD compares: Non-Finnish European, 0.00017%; no homozygotes.

Submissions (9):

Ambry Genetics
Classification: Likely pathogenic for Cardiovascular phenotype. Last evaluated: 2026-01-30. Review status: criteria provided, single submitter. Criteria: Ambry Variant Classification Scheme 2023. Collection method: clinical testing. Allele origin: germline.
Comment: The c.2148+1G>T intronic alteration consists of a G to T substitution one nucleotide after exon 22 (coding exon 22) of the MYBPC3 gene. Alterations that disrupt the canonical splice site are expected to cause aberrant splicing, resulting in an abnormal protein or a transcript that is subject to nonsense-mediated mRNA decay. This variant was not reported in population-based cohorts in the Genome Aggregation Database (gnomAD). This variant was reported in individual(s) with features consistent with hypertrophic cardiomyopathy (HCM) (Nafissi, 2022). This nucleotide position is highly conserved in available vertebrate species. In silico splice site analysis predicts that this alteration will weaken the native splice donor site. Based on the available evidence, this alteration is classified as likely pathogenic.

Variantyx, Inc.
Classification: Pathogenic for Hypertrophic cardiomyopathy 4. Last evaluated: 2025-06-15. Review status: criteria provided, single submitter. Criteria: Variantyx Assertion Criteria 2022. Collection method: clinical testing. Allele origin: germline. Inheritance: Autosomal dominant inheritance.
Comment: This is a canonical splicing variant in the MYBPC3 gene (OMIM: 600958). Pathogenic variants in this gene have been associated with autosomal dominant hypertrophic cardiomyopathy 4. This variant has been reported in an affected individual (PMID: 36136372) (PS4). It has a 0.0006% maximum allele frequency in non-founder control populations (PM2). Pathogenic variants in this gene have been associated with autosomal dominant hypertrophic cardiomyopathy 4.

GeneDx
Classification: Likely pathogenic. Last evaluated: 2025-06-02. Review status: criteria provided, single submitter. Criteria: GeneDx Variant Classification Process June 2021. Collection method: clinical testing. Allele origin: germline. Affected: yes.
Comment: Canonical splice site variant expected to result in aberrant splicing, although in the absence of functional evidence the actual effect of this sequence change is unknown; Not observed at significant frequency in large population cohorts (gnomAD); This variant is associated with the following publications: (PMID: 31447099, 27391121, 36136372)

Labcorp Genetics (formerly Invitae), Labcorp
Classification: Likely pathogenic for Hypertrophic cardiomyopathy. Last evaluated: 2025-02-26. Review status: criteria provided, single submitter. Criteria: Invitae Variant Classification Sherloc (09022015). Collection method: clinical testing. Allele origin: germline.
Comment: This sequence change affects a donor splice site in intron 22 of the MYBPC3 gene. It is expected to disrupt RNA splicing. Variants that disrupt the donor or acceptor splice site typically lead to a loss of protein function (PMID: 16199547), and loss-of-function variants in MYBPC3 are known to be pathogenic (PMID: 19574547). This variant is not present in population databases (gnomAD no frequency). Disruption of this splice site has been observed in individual(s) with MYBPC3-related conditions (PMID: 36136372). ClinVar contains an entry for this variant (Variation ID: 417931). Algorithms developed to predict the effect of sequence changes on RNA splicing suggest that this variant may disrupt the consensus splice site. In summary, the currently available evidence indicates that the variant is pathogenic, but additional data are needed to prove that conclusively. Therefore, this variant has been classified as Likely Pathogenic.

All of Us Research Program, National Institutes of Health
Classification: Likely pathogenic for Hypertrophic cardiomyopathy. Last evaluated: 2024-05-13. Review status: criteria provided, single submitter. Criteria: ACMG Guidelines, 2015. Collection method: clinical testing. Allele origin: germline. Inheritance: Autosomal dominant inheritance. Observed: 2 variant alleles, 2 heterozygotes.
Comment: The c.2148+1G>A variant of the MYBPC3 gene disrupts the splicing donor site in intron 22 and is expected to alter RNA splicing, leading to disrupted protein structure and function. Loss-of-function variants in MYBPC3 are known to be pathogenic (PMID: 19574547). This variant has not been reported in the literature in individuals affected with MYBPC3-related conditions. Also, this variant is absent in the general population by the gnomAD database. Based on these evidence, c.2148+1G>A variant of the MYBPC3 gene is classified as likely pathogenic.

This study involves interpretation of variants in research participants for the purpose of population health screening. Participant phenotype was not available at the time of variant classification. Additional details can be found in publication PMID: 35346344, PMCID: PMC8962531

Color Diagnostics, LLC DBA Color Health
Classification: Likely pathogenic for Cardiomyopathy. Last evaluated: 2024-02-05. Review status: criteria provided, single submitter. Criteria: ACMG Guidelines, 2015. Collection method: clinical testing. Allele origin: germline.
Comment: This variant causes a G to T nucleotide substitution at the +1 position of intron 22 of the MYBPC3 gene. Splice site prediction tools suggest that this variant may have a significant impact on RNA splicing. Although this prediction has not been confirmed in published RNA studies, this variant is expected to result in an absent or disrupted protein product. This variant has not been reported in individuals affected with MYBPC3-related disorders in the literature. This variant has not been identified in the general population by the Genome Aggregation Database (gnomAD). Loss of MYBPC3 function is a known mechanism of disease. Based on the available evidence, this variant is classified as Likely Pathogenic.

AiLife Diagnostics
Classification: Likely pathogenic. Last evaluated: 2022-02-21. Review status: criteria provided, single submitter. Criteria: ACMG Guidelines, 2015. Collection method: clinical testing. Allele origin: germline. Affected: yes. Observed: 1 variant allele.

Laboratory for Molecular Medicine, Mass General Brigham Personalized Medicine
Classification: Likely pathogenic for Hypertrophic cardiomyopathy. Last evaluated: 2017-11-03. Review status: criteria provided, single submitter. Criteria: LMM Criteria. Collection method: clinical testing. Allele origin: germline. Inheritance: Autosomal dominant inheritance. Observed: 1 variant allele.
Comment: The c.2148+1G>T variant in MYBPC3 has not been previously reported in individual s with cardiomyopathy or in large population studies but has been reported by ot her clinical laboratories in ClinVar (Variation ID 417931). This variant occurs in the invariant region (+/- 1,2) of the splice consensus sequence and is predi cted to cause altered splicing leading to an abnormal or absent protein. Heteroz ygous loss of function of the MYBPC3 gene is an established disease mechanism in hypertrophic cardiomyopathy (HCM). In summary, although additional studies are required to fully establish its clinical significance, the c.2148+1G>T variant i s likely pathogenic. ACMG/AMP Criteria applied: PVS1, PM2 (Richards 2015).

Division of Human Genetics, Children's Hospital of Philadelphia
Classification: Likely pathogenic for Hypertrophic cardiomyopathy 4; Left ventricular noncompaction 10. Last evaluated: 2015-10-03. Review status: no assertion criteria provided. Collection method: research. Allele origin: germline. Affected: yes. Study: CSER-PediSeq. Not counted in ClinVar's aggregate classification.

Literature cited by the submitters: PubMed 36136372 (cited by 3 submitters); PubMed 16199547 (cited by Labcorp Genetics (formerly Invitae), Labcorp); PubMed 19574547 (cited by Labcorp Genetics (formerly Invitae), Labcorp and All of Us Research Program, National Institutes of Health); PubMed 31447099 (cited by AiLife Diagnostics).